The following is an entry in ClinVar:

ClinVar aggregate classification (germline): Conflicting classifications of pathogenicity. Review status: criteria provided, conflicting classifications (1 of 4 stars). 3 submissions from 3 submitters: Uncertain significance (2); Likely benign (1). Last evaluated 2026-01-07.

Conditions:
Hereditary cancer-predisposing syndrome. Also called: Tumor predisposition; Hereditary neoplastic syndrome; Hereditary Cancer Syndrome; Neoplastic Syndromes, Hereditary. Identifiers: Orphanet 140162, MedGen C0027672, MeSH D009386, MONDO:0015356.
Familial cancer of breast. Also called: BREAST CANCER, FAMILIAL; Hereditary breast cancer; hereditary breast carcinoma. Identifiers: Orphanet 227535, MedGen C0346153, MONDO:0016419, OMIM 114480. Disease mechanism: loss of function.

Submissions (3):

Ambry Genetics
Classification: Likely benign for Hereditary cancer-predisposing syndrome. Last evaluated: 2026-01-07. Review status: criteria provided, single submitter. Criteria: Ambry Variant Classification Scheme 2023. Collection method: clinical testing. Allele origin: germline.

Labcorp Genetics (formerly Invitae), Labcorp
Classification: Uncertain significance for Familial cancer of breast. Last evaluated: 2025-02-03. Review status: criteria provided, single submitter. Criteria: Invitae Variant Classification Sherloc (09022015). Collection method: clinical testing. Allele origin: germline.
Comment: This sequence change replaces asparagine, which is neutral and polar, with histidine, which is basic and polar, at codon 821 of the PALB2 protein (p.Asn821His). This variant is not present in population databases (gnomAD no frequency). This variant has not been reported in the literature in individuals affected with PALB2-related conditions. ClinVar contains an entry for this variant (Variation ID: 919993). Invitae Evidence Modeling of protein sequence and biophysical properties (such as structural, functional, and spatial information, amino acid conservation, physicochemical variation, residue mobility, and thermodynamic stability) indicates that this missense variant is not expected to disrupt PALB2 protein function with a negative predictive value of 80%. In summary, the available evidence is currently insufficient to determine the role of this variant in disease. Therefore, it has been classified as a Variant of Uncertain Significance.

Color Diagnostics, LLC DBA Color Health
Classification: Uncertain significance for Hereditary cancer-predisposing syndrome. Last evaluated: 2019-08-15. Review status: criteria provided, single submitter. Criteria: ACMG Guidelines, 2015. Collection method: clinical testing. Allele origin: germline.
Comment: This missense variant replaces asparagine with histidine at codon 821 of the PALB2 protein. Computational prediction tools and conservation analyses are inconclusive regarding the impact of this variant on the protein function. Computational splicing tools suggest that this variant may not impact RNA splicing. To our knowledge, functional assays have not been performed for this variant nor has this variant been reported in individuals affected with hereditary cancer in the literature. This variant has not been identified in the general population by the Genome Aggregation Database (gnomAD). Available evidence is insufficient to determine the role of this variant in disease conclusively. Therefore, this variant is classified as a Variant of Uncertain Significance.

NM_024675.4(PALB2):c.2461A>C (p.Asn821His)

Gene: PALB2 (partner and localizer of BRCA2; minus strand). Cytogenetic location: 16p12.2.
Variant type: single nucleotide variant.
Coding change: c.2461A>C on transcript NM_024675.4 (MANE Select); coding-DNA position 2461, A replaced by C.
Protein change: p.Asn821His; replaces asparagine 821 with histidine.
Molecular consequence: missense variant.
Genome position (GRCh38, 1-based): chr16:23,629,693, T>G on the plus strand (A>C on the coding strand, the complement: PALB2 is on the minus strand). VCF-style: chr16-23629693-T-G. GRCh37 (hg19) VCF-style: chr16-23641014-T-G.
Other names: short protein forms N821H.
Identifiers: ClinVar variation 919993 (VCV000919993.9), dbSNP rs958566673, ClinGen allele CA395124116.